The following is an entry in ClinVar:

ClinVar aggregate classification (germline): Likely pathogenic (1 of 4 stars; one submission).

Conditions:
Ichthyosis and erythrokeratoderma.

Submission:

Genetics Laboratory, Great Ormond Street Hospital NHS Foundation Trust, North Thames Genomic Laboratory Hub
Classification: Likely pathogenic for Ichthyosis and erythrokeratoderma. Last evaluated: 2025-12-06. Review status: criteria provided, single submitter. Criteria: ACGS Best Practice Guidelines for Variant Classification in Rare Disease 2024 v1.2. Collection method: clinical testing. Allele origin: germline. Affected: yes.
Comment: PM2_moderate, PVS1_strong

NM_001378789.1(CERS3):c.1006C>T (p.Gln336Ter)

Genes: CERS3 (ceramide synthase 3; minus strand), CERS3-AS1 (CERS3 antisense RNA 1; plus strand). Cytogenetic location: 15q26.3.
Variant type: single nucleotide variant.
Coding change: c.1006C>T on transcript NM_001378789.1 (MANE Select); coding-DNA position 1006, C replaced by T.
Protein change: p.Gln336Ter; replaces glutamine 336 with a stop codon.
Molecular consequence: nonsense.
Genome position (GRCh38, 1-based): chr15:100,402,859, G>A on the plus strand (C>T on the coding strand, the complement: CERS3 is on the minus strand). VCF-style: chr15-100402859-G-A. GRCh37 (hg19) VCF-style: chr15-100943064-G-A.
Other names: c.1039C>T, p.Gln347Ter (NM_001290341.2); c.1006C>T, p.Gln336Ter (NM_001290342.2, NM_001290343.2, NM_178842.5); short protein forms Q336*, Q347*.
Identifiers: ClinVar variation 4690218 (VCV004690218.1), dbSNP rs1366310126.
Genomic context (GRCh38, chr15:100,402,859, plus strand): 5'-CCTCTTCTTCTTCCTCTTCCTCTTCCTCTTCATAATCCTCGTCATCACTCCTCACATCCT[G>A]GATGCTCTAGACAAAGGAAAGAATTGGCTGTGAGTGACAATCTTCCAGGAAGAGTCTTGA-3'